The following is an entry in ClinVar:

NM_001290043.2(TAP2):c.320G>C (p.Gly107Ala)

Gene: TAP2 (transporter 2, ATP binding cassette subfamily B member; minus strand). Cytogenetic location: 6p21.32.
Variant type: single nucleotide variant.
Coding change: c.320G>C on transcript NM_001290043.2 (MANE Select); coding-DNA position 320, G replaced by C.
Protein change: p.Gly107Ala; replaces glycine 107 with alanine.
Molecular consequence: missense variant.
Genome position (GRCh38, 1-based): chr6:32,837,914, C>G on the plus strand (G>C on the coding strand, the complement: TAP2 is on the minus strand). VCF-style: chr6-32837914-C-G. GRCh37 (hg19) VCF-style: chr6-32805691-C-G.
Other names: c.320G>C, p.Gly107Ala (NM_000544.3, NM_018833.3); short protein forms G107A.
Identifiers: ClinVar variation 2417584 (VCV002417584.6), dbSNP rs2483055835, ClinGen allele CA363586592.

ClinVar aggregate classification (germline): Uncertain significance (1 of 4 stars; one submission).

Conditions:
MHC class I deficiency. Identifiers: Orphanet 34592, MedGen C6024714, MONDO:0011476.

gnomAD v4.1: 1 of 1,613,024 alleles (0.000062%); no homozygotes.

Submission:

Labcorp Genetics (formerly Invitae), Labcorp
Classification: Uncertain significance for MHC class I deficiency 1. Last evaluated: 2022-07-22. Review status: criteria provided, single submitter. Criteria: Invitae Variant Classification Sherloc (09022015). Collection method: clinical testing. Allele origin: germline.
Comment: In summary, the available evidence is currently insufficient to determine the role of this variant in disease. Therefore, it has been classified as a Variant of Uncertain Significance. Algorithms developed to predict the effect of missense changes on protein structure and function output the following: SIFT: "Tolerated"; PolyPhen-2: "Not Available"; Align-GVGD: "Class C0". The alanine amino acid residue is found in multiple mammalian species, which suggests that this missense change does not adversely affect protein function. This variant has not been reported in the literature in individuals affected with TAP2-related conditions. This variant is not present in population databases (gnomAD no frequency). This sequence change replaces glycine, which is neutral and non-polar, with alanine, which is neutral and non-polar, at codon 107 of the TAP2 protein (p.Gly107Ala).